The following is an entry in ClinVar:

ClinVar aggregate classification (germline): Uncertain significance (1 of 4 stars; one submission).

Allele frequency attached by ClinVar (database versions not stated): TOPMed below 0.00001.

Submission:

Labcorp Genetics (formerly Invitae), Labcorp
Classification: Uncertain significance. Last evaluated: 2022-02-22. Review status: criteria provided, single submitter. Criteria: Invitae Variant Classification Sherloc (09022015). Collection method: clinical testing. Allele origin: germline.
Comment: This variant occurs in a non-coding region of the EYS gene. It does not change the encoded amino acid sequence of the EYS protein. This variant is not present in population databases (gnomAD no frequency). This variant has not been reported in the literature in individuals affected with EYS-related conditions. Algorithms developed to predict the effect of sequence changes on RNA splicing suggest that this variant may create or strengthen a splice site. In summary, the available evidence is currently insufficient to determine the role of this variant in disease. Therefore, it has been classified as a Variant of Uncertain Significance.

NM_001142800.2(EYS):c.-270T>G

Gene: EYS (eyes shut homolog; minus strand). Cytogenetic location: 6q12.
Variant type: single nucleotide variant.
Coding change: c.-270T>G on transcript NM_001142800.2 (MANE Select); 270 bases upstream of the start codon, T replaced by G.
Molecular consequence: 5 prime UTR variant.
Genome position (GRCh38, 1-based): chr6:65,495,931, A>C on the plus strand (T>G on the coding strand, the complement: EYS is on the minus strand). VCF-style: chr6-65495931-A-C. GRCh37 (hg19) VCF-style: chr6-66205824-A-C.
Other names: c.-270T>G (NM_001142801.2, NM_001292009.2, NM_198283.2).
Identifiers: ClinVar variation 2101672 (VCV002101672.1), dbSNP rs1766240286, ClinGen allele CA1634250166.